The following is an entry in ClinVar:

NM_017934.7(PHIP):c.603T>C (p.Gly201=)

Gene: PHIP (PHIP subunit of CUL4-Ring ligase complex; minus strand). Cytogenetic location: 6q14.1.
Variant type: single nucleotide variant.
Coding change: c.603T>C on transcript NM_017934.7 (MANE Select); coding-DNA position 603, T replaced by C.
Protein change: p.Gly201=; no amino-acid change (glycine 201 retained).
Molecular consequence: synonymous variant.
Genome position (GRCh38, 1-based): chr6:79,026,162, A>G on the plus strand (T>C on the coding strand, the complement: PHIP is on the minus strand). VCF-style: chr6-79026162-A-G. GRCh37 (hg19) VCF-style: chr6-79735879-A-G.
Other names: c.603T>C (NM_017934.6).
Identifiers: ClinVar variation 2079020 (VCV002079020.6), dbSNP rs185351795, ClinGen allele CA3900329.

ClinVar aggregate classification (germline): Likely benign. Review status: criteria provided, single submitter (1 of 4 stars). 2 submissions from 2 submitters: Likely benign (1). 1 of the submissions does not count toward it. Last evaluated 2026-01-09.

Conditions:
PHIP-related disorder. Also called: PHIP-related disorders; PHIP-related condition.

Allele frequency attached by ClinVar (database versions not stated): gnomAD exomes 0.00001; ExAC 0.00002; gnomAD 0.00021; TOPMed 0.00038; 1000 Genomes Project 30x 0.00094; 1000 Genomes Project 0.00100.
gnomAD v4.1: 59 of 1,607,554 alleles (0.0037%); highest among the groups gnomAD compares: Admixed American, 0.08%; no homozygotes.

Submissions (2):

Labcorp Genetics (formerly Invitae), Labcorp
Classification: Likely benign. Last evaluated: 2026-01-09. Review status: criteria provided, single submitter. Criteria: Invitae Variant Classification Sherloc (09022015). Collection method: clinical testing. Allele origin: germline.

PreventionGenetics, part of Exact Sciences
Classification: Likely benign for PHIP-related condition. Last evaluated: 2019-02-22. Review status: no assertion criteria provided. Collection method: clinical testing. Allele origin: germline. Not counted in ClinVar's aggregate classification.
Comment: This variant is classified as likely benign based on ACMG/AMP sequence variant interpretation guidelines (Richards et al. 2015 PMID: 25741868, with internal and published modifications).